The following is an entry in ClinVar:

NM_001330260.2(SCN8A):c.691A>C (p.Ile231Leu)

Gene: SCN8A (sodium voltage-gated channel alpha subunit 8; plus strand). Cytogenetic location: 12q13.13.
Variant type: single nucleotide variant.
Coding change: c.691A>C on transcript NM_001330260.2 (MANE Select); coding-DNA position 691, A replaced by C.
Protein change: p.Ile231Leu; replaces isoleucine 231 with leucine.
Molecular consequence: missense variant. On other transcripts: intron variant (2).
Genome position (GRCh38, 1-based): chr12:51,689,081, A>C. VCF-style: chr12-51689081-A-C. GRCh37 (hg19) VCF-style: chr12-52082865-A-C.
Other names: c.691A>C, p.Ile231Leu (NM_001369788.1); c.706+232A>C (NM_014191.4, NM_001177984.3); short protein forms I231L.
Identifiers: ClinVar variation 3392605 (VCV003392605.1).
Genomic context (GRCh38, chr12:51,689,081, plus strand): 5'-GTGGACCTGGGCAATGTCTCAGCGCTGAGAACATTCAGGGTTCTCCGAGCTTTGAAAACT[A>C]TCTCTGTAATTCCAGGTGAGAAAATTTGTACATAAGACTGACTTTGCCACATCTCCTCTT-3'
Protein context (NP_001317189.1, residues 221-241): TFRVLRALKT[Ile231Leu]SVIPGLKTIV

ClinVar aggregate classification (germline): Likely pathogenic (1 of 4 stars; one submission).

Submission:

GeneDx
Classification: Likely pathogenic. Last evaluated: 2024-06-24. Review status: criteria provided, single submitter. Criteria: GeneDx Variant Classification Process June 2021. Collection method: clinical testing. Allele origin: germline. Affected: yes.
Comment: Not observed at significant frequency in large population cohorts (gnomAD); In silico analysis supports that this missense variant has a deleterious effect on protein structure/function; Has not been previously published as pathogenic or benign to our knowledge; Reported using an alternate transcript of the gene